The following is an entry in ClinVar:

NM_000245.4(MET):c.2089T>C (p.Cys697Arg)

Gene: MET (MET proto-oncogene, receptor tyrosine kinase; plus strand). Cytogenetic location: 7q31.2.
Variant type: single nucleotide variant.
Coding change: c.2089T>C on transcript NM_000245.4 (MANE Select); coding-DNA position 2089, T replaced by C.
Protein change: p.Cys697Arg; replaces cysteine 697 with arginine.
Molecular consequence: missense variant.
Genome position (GRCh38, 1-based): chr7:116,757,761, T>C. VCF-style: chr7-116757761-T-C. GRCh37 (hg19) VCF-style: chr7-116397815-T-C.
Other names: c.2089T>C, p.Cys697Arg (NM_001127500.3, NM_001324401.3); c.799T>C, p.Cys267Arg (NM_001324402.2); short protein forms C267R, C697R.
Identifiers: ClinVar variation 3232924 (VCV003232924.4), dbSNP rs2116925232, ClinGen allele CA368980230.

ClinVar aggregate classification (germline): Uncertain significance. Review status: criteria provided, multiple submitters, no conflicts (2 of 4 stars). 2 submissions from 2 submitters: Uncertain significance (2). Last evaluated 2026-07-30.

Conditions:
Hereditary cancer-predisposing syndrome. Also called: Neoplastic Syndromes, Hereditary; Tumor predisposition; Hereditary Cancer Syndrome; Hereditary neoplastic syndrome. Identifiers: Orphanet 140162, MedGen C0027672, MeSH D009386, MONDO:0015356.
Renal cell carcinoma. Identifiers: Orphanet 217071, MedGen C0007134, MeSH D002292, MONDO:0005086, HP:0005584.

Submissions (2):

Ambry Genetics
Classification: Uncertain significance for Hereditary cancer-predisposing syndrome. Last evaluated: 2026-07-30. Review status: criteria provided, single submitter. Criteria: Ambry Variant Classification Scheme 2023. Collection method: clinical testing. Allele origin: germline.
Comment: The p.C697R variant (also known as c.2089T>C), located in coding exon 7 of the MET gene, results from a T to C substitution at nucleotide position 2089. The cysteine at codon 697 is replaced by arginine, an amino acid with highly dissimilar properties. This amino acid position is highly conserved in available vertebrate species. In addition, this alteration is predicted to be deleterious by in silico analysis. Based on the available evidence, the clinical significance of this variant remains unclear.

Labcorp Genetics (formerly Invitae), Labcorp
Classification: Uncertain significance for Renal cell carcinoma. Last evaluated: 2024-08-31. Review status: criteria provided, single submitter. Criteria: Invitae Variant Classification Sherloc (09022015). Collection method: clinical testing. Allele origin: germline.
Comment: This sequence change replaces cysteine, which is neutral and slightly polar, with arginine, which is basic and polar, at codon 697 of the MET protein (p.Cys697Arg). This variant is not present in population databases (gnomAD no frequency). This variant has not been reported in the literature in individuals affected with MET-related conditions. Invitae Evidence Modeling of protein sequence and biophysical properties (such as structural, functional, and spatial information, amino acid conservation, physicochemical variation, residue mobility, and thermodynamic stability) indicates that this missense variant is expected to disrupt MET protein function with a positive predictive value of 80%. In summary, the available evidence is currently insufficient to determine the role of this variant in disease. Therefore, it has been classified as a Variant of Uncertain Significance.